The following is an entry in ClinVar:

NC_000011.9:g.(?_93529711)_(93539976_?)del

Gene: MED17 (mediator complex subunit 17; plus strand). Cytogenetic location: 11q21.
Variant type: Deletion.
Identifiers: ClinVar variation 1460305 (VCV001460305.4).

ClinVar aggregate classification (germline): Pathogenic (1 of 4 stars; one submission).

Submission:

Labcorp Genetics (formerly Invitae), Labcorp
Classification: Pathogenic. Last evaluated: 2021-06-24. Review status: criteria provided, single submitter. Criteria: Invitae Variant Classification Sherloc (09022015). Collection method: clinical testing. Allele origin: germline.
Comment: For these reasons, this variant has been classified as Pathogenic. This variant has not been reported in the literature in individuals with MED17-related conditions. This variant is a gross deletion of the genomic region encompassing exon(s) 8-9 of the MED17 gene. This deletion is out-of-frame, and is expected to create a premature translational stop signal and result in an absent or disrupted protein product. Loss-of-function variants in MED17 are known to be pathogenic (PMID: 20950787, 26004231, 30345598).

Literature cited by the submitters: PubMed 20950787; PubMed 26004231; PubMed 30345598.